The following is an entry in ClinVar:

NM_173560.4(RFX6):c.2176C>T (p.Arg726Ter)

Gene: RFX6 (regulatory factor X6; plus strand). Cytogenetic location: 6q22.1.
Variant type: single nucleotide variant.
Coding change: c.2176C>T on transcript NM_173560.4 (MANE Select); coding-DNA position 2176, C replaced by T.
Protein change: p.Arg726Ter; replaces arginine 726 with a stop codon.
Molecular consequence: nonsense.
Genome position (GRCh38, 1-based): chr6:116,927,317, C>T. VCF-style: chr6-116927317-C-T. GRCh37 (hg19) VCF-style: chr6-117248480-C-T.
Other names: short protein forms R726*.
Identifiers: ClinVar variation 223240 (VCV000223240.6), dbSNP rs144648002, ClinGen allele CA088879.

ClinVar aggregate classification (germline): Pathogenic. Review status: criteria provided, single submitter (1 of 4 stars). 2 submissions from 2 submitters: Pathogenic (1). 1 of the submissions does not count toward it. Last evaluated 2025-10-13.

Conditions:
Hypoplastic pancreas-intestinal atresia-hypoplastic gallbalder syndrome. Also called: DIABETES, NEONATAL, WITH PANCREATIC HYPOPLASIA, INTESTINAL ATRESIA, AND GALLBLADDER APLASIA OR HYPOPLASIA; Mitchell-Riley syndrome. Identifiers: Orphanet 293864, MedGen C2748662, MONDO:0017400, OMIM 615710.

gnomAD v4.1: 5 of 1,614,152 alleles (0.00031%); highest among the groups gnomAD compares: Admixed American, 0.0017%; no homozygotes.

Submissions (2):

Labcorp Genetics (formerly Invitae), Labcorp
Classification: Pathogenic. Last evaluated: 2025-10-13. Review status: criteria provided, single submitter. Criteria: Invitae Variant Classification Sherloc (09022015). Collection method: clinical testing. Allele origin: germline.
Comment: This sequence change creates a premature translational stop signal (p.Arg726*) in the RFX6 gene. It is expected to result in an absent or disrupted protein product. Loss-of-function variants in RFX6 are known to be pathogenic (PMID: 20148032). This variant is present in population databases (no rsID available, gnomAD 0.003%). This premature translational stop signal has been observed in individual(s) with RFX6-related conditions (PMID: 26559129). It has also been observed to segregate with disease in related individuals. ClinVar contains an entry for this variant (Variation ID: 223240). For these reasons, this variant has been classified as Pathogenic.

OMIM
Classification: Pathogenic for MITCHELL-RILEY SYNDROME. Last evaluated: 2024-11-22. Review status: no assertion criteria provided. Collection method: literature only. Allele origin: germline. Not counted in ClinVar's aggregate classification.

Literature cited by the submitters: PubMed 20148032 (cited by Labcorp Genetics (formerly Invitae), Labcorp); PubMed 26559129 (cited by Labcorp Genetics (formerly Invitae), Labcorp); PubMed 26264437 (cited by OMIM).